The following is an entry in ClinVar:

ClinVar aggregate classification (germline): Uncertain significance. Review status: criteria provided, multiple submitters, no conflicts (2 of 4 stars). 5 submissions from 5 submitters: Uncertain significance (5). Last evaluated 2025-08-18.

Conditions:
Inborn genetic diseases. Identifiers: MedGen C0950123, MeSH D030342.
Malignant hyperthermia, susceptibility to, 1 (MHS1). Also called: RYR1-Related Malignant Hyperthermia Susceptibility; Anesthesia related hyperthermia; Malignant hyperpyrexia; Fulminating hyperpyrexia; Pharmacogenic myopathy; Malignant hyperthermia suceptibility 1. Identifiers: Orphanet 423, MedGen C2930980, MONDO:0007783, OMIM 145600.
Congenital myopathy with fiber type disproportion. Also called: Congenital fiber-type disproportion myopathy; Congenital fiber-type disproportion. Identifiers: Orphanet 2020, MedGen C0546264, MONDO:0009711. Inheritance: all.
Central core myopathy (CMYO1A). Also called: CONGENITAL MYOPATHY 1A, AUTOSOMAL DOMINANT, WITH SUSCEPTIBILITY TO MALIGNANT HYPERTHERMIA; Central core disease; Myopathy, central fibrillar. Identifiers: Orphanet 597, MedGen C5830701, MONDO:0007294, OMIM 117000.
Congenital multicore myopathy with external ophthalmoplegia (CMYO1B). Also called: Minicore myopathy with external ophthalmoplegia; MULTIMINICORE DISEASE WITH EXTERNAL OPHTHALMOPLEGIA; MULTICORE MYOPATHY; Congenital myopathy 1B, autosomal recessive; Minicore myopathy. Identifiers: Orphanet 598, Orphanet 98905, MedGen C1850674, MONDO:0009712, OMIM 255320, HP:0003789.
King Denborough syndrome (KDS). Identifiers: MedGen C1840365, MONDO:0020485, OMIM 619542.
RYR1-related disorder. Also called: RYR1-related disorders; RYR1-related condition. Identifiers: MedGen CN239331.

Allele frequency attached by ClinVar (database versions not stated): ExAC 0.00001; gnomAD 0.00001; gnomAD exomes 0.00001; TOPMed 0.00002; ESP Exome Variant Server 0.00008.
gnomAD v4.1: 19 of 1,613,862 alleles (0.0012%); highest among the groups gnomAD compares: African/African-American, 0.0027%; no homozygotes.

Submissions (5):

Labcorp Genetics (formerly Invitae), Labcorp
Classification: Uncertain significance for RYR1-related disorder. Last evaluated: 2025-08-18. Review status: criteria provided, single submitter. Criteria: Invitae Variant Classification Sherloc (09022015). Collection method: clinical testing. Allele origin: germline.
Comment: This sequence change replaces arginine, which is basic and polar, with tryptophan, which is neutral and slightly polar, at codon 896 of the RYR1 protein (p.Arg896Trp). This variant is present in population databases (rs371050482, gnomAD 0.006%). This variant has not been reported in the literature in individuals affected with RYR1-related conditions. ClinVar contains an entry for this variant (Variation ID: 1060765). Invitae Evidence Modeling of protein sequence and biophysical properties (such as structural, functional, and spatial information, amino acid conservation, physicochemical variation, residue mobility, and thermodynamic stability) has been performed for this missense variant. However, the output from this modeling did not meet the statistical confidence thresholds required to predict the impact of this variant on RYR1 protein function. In summary, the available evidence is currently insufficient to determine the role of this variant in disease. Therefore, it has been classified as a Variant of Uncertain Significance.

Revvity Omics, Revvity
Classification: Uncertain significance. Last evaluated: 2025-08-07. Review status: criteria provided, single submitter. Criteria: ACMG Guidelines, 2015. Collection method: clinical testing. Allele origin: germline.

Ambry Genetics
Classification: Uncertain significance for Inborn genetic diseases. Last evaluated: 2025-06-06. Review status: criteria provided, single submitter. Criteria: Ambry Variant Classification Scheme 2023. Collection method: clinical testing. Allele origin: germline.

GeneDx
Classification: Uncertain significance. Last evaluated: 2021-08-30. Review status: criteria provided, single submitter. Criteria: GeneDx Variant Classification Process June 2021. Collection method: clinical testing. Allele origin: germline. Affected: yes.
Comment: Not observed at significant frequency in large population cohorts (Lek et al., 2016); In silico analysis supports that this missense variant has a deleterious effect on protein structure/function; Has not been previously published as pathogenic or benign to our knowledge; This variant is associated with the following publications: (PMID: 22473935, 20681998)

Fulgent Genetics
Classification: Uncertain significance for Central core myopathy; Malignant hyperthermia, susceptibility to, 1; Congenital myopathy 4A, autosomal dominant; Congenital multicore myopathy with external ophthalmoplegia; King Denborough syndrome. Last evaluated: 2021-08-03. Review status: criteria provided, single submitter. Criteria: ACMG Guidelines, 2015. Collection method: clinical testing. Allele origin: unknown.

NM_000540.3(RYR1):c.2686C>T (p.Arg896Trp)

Gene: RYR1 (ryanodine receptor 1; plus strand). Cytogenetic location: 19q13.2.
Variant type: single nucleotide variant.
Coding change: c.2686C>T on transcript NM_000540.3 (MANE Select); coding-DNA position 2686, C replaced by T.
Protein change: p.Arg896Trp; replaces arginine 896 with tryptophan.
Molecular consequence: missense variant.
Genome position (GRCh38, 1-based): chr19:38,463,750, C>T. VCF-style: chr19-38463750-C-T. GRCh37 (hg19) VCF-style: chr19-38954390-C-T.
Other names: c.2686C>T, p.Arg896Trp (NM_001042723.2); short protein forms R896W.
Identifiers: ClinVar variation 1060765 (VCV001060765.10), dbSNP rs371050482, ClinGen allele CA063783.